The following is an entry in ClinVar:

NM_015915.5(ATL1):c.1417A>G (p.Ile473Val)

Gene: ATL1 (atlastin GTPase 1; plus strand). Cytogenetic location: 14q22.1.
Variant type: single nucleotide variant.
Coding change: c.1417A>G on transcript NM_015915.5 (MANE Select); coding-DNA position 1417, A replaced by G.
Protein change: p.Ile473Val; replaces isoleucine 473 with valine.
Molecular consequence: missense variant.
Genome position (GRCh38, 1-based): chr14:50,628,328, A>G. VCF-style: chr14-50628328-A-G. GRCh37 (hg19) VCF-style: chr14-51095046-A-G.
Other names: c.1417A>G, p.Ile473Val (NM_001127713.1, NM_181598.4); short protein forms I473V.
Identifiers: ClinVar variation 4293636 (VCV004293636.1).

ClinVar aggregate classification (germline): Uncertain significance (1 of 4 stars; one submission).

Conditions:
Hereditary spastic paraplegia 3A (SPG3A). Also called: Spastic Paraplegia 3A; SPASTIC PARAPLEGIA 3, AUTOSOMAL DOMINANT; FAMILIAL SPASTIC PARAPLEGIA, AUTOSOMAL DOMINANT, 1; SPG3; STRUMPELL DISEASE; Spastic paraplegia 3A, autosomal dominant. Identifiers: Orphanet 100984, MedGen C2931355, MONDO:0008437, OMIM 182600.

Submission:

3billion
Classification: Uncertain significance for Hereditary spastic paraplegia 3A. Last evaluated: 2024-07-28. Review status: criteria provided, single submitter. Criteria: ACMG Guidelines, 2015. Collection method: clinical testing. Allele origin: germline. Affected: yes.
Comment: The variant is not observed in the gnomAD v4.0.0 dataset. Predicted Consequence/Location: Missense variant In silico tool predictions suggest damaging effect of the variant on gene or gene product [3Cnet: 0.99 (>=0.6, sensitivity 0.72 and precision 0.9)]. Therefore, this variant is classified as VUS according to the recommendation of ACMG/AMP guideline.